The following is an entry in ClinVar:

NM_000313.4(PROS1):c.947G>A (p.Arg316His)

Gene: PROS1 (protein S; minus strand). Cytogenetic location: 3q11.1.
Variant type: single nucleotide variant.
Coding change: c.947G>A on transcript NM_000313.4 (MANE Select); coding-DNA position 947, G replaced by A.
Protein change: p.Arg316His; replaces arginine 316 with histidine.
Molecular consequence: missense variant.
Genome position (GRCh38, 1-based): chr3:93,896,594, C>T on the plus strand (G>A on the coding strand, the complement: PROS1 is on the minus strand). VCF-style: chr3-93896594-C-T. GRCh37 (hg19) VCF-style: chr3-93615438-C-T.
Other names: c.1043G>A, p.Arg348His (NM_001314077.2); short protein forms R316H, R348H.
Identifiers: ClinVar variation 983112 (VCV000983112.6), dbSNP rs747259055, ClinGen allele CA2503324.

ClinVar aggregate classification (germline): Uncertain significance. Review status: criteria provided, multiple submitters, no conflicts (2 of 4 stars). 3 submissions from 3 submitters: Uncertain significance (3). Last evaluated 2025-10-08.

Conditions:
Thrombophilia due to protein S deficiency, autosomal recessive (THPH6). Identifiers: Orphanet 743, MedGen C3281092, MONDO:0013791, OMIM 614514. Disease mechanism: loss of function.
Thrombophilia due to protein S deficiency, autosomal dominant (THPH5). Identifiers: Orphanet 26349, Orphanet 743, MedGen C3278211, MONDO:0012868, OMIM 612336. Disease mechanism: loss of function.

Allele frequency attached by ClinVar (database versions not stated): ExAC 0.00003; gnomAD exomes 0.00003; gnomAD 0.00006; TOPMed 0.00009.
gnomAD v4.1: 46 of 1,611,984 alleles (0.0029%); highest among the groups gnomAD compares: African/African-American, 0.019%; no homozygotes.

Submissions (3):

Labcorp Genetics (formerly Invitae), Labcorp
Classification: Uncertain significance for Thrombophilia due to protein S deficiency, autosomal recessive. Last evaluated: 2025-10-08. Review status: criteria provided, single submitter. Criteria: Invitae Variant Classification Sherloc (09022015). Collection method: clinical testing. Allele origin: germline.
Comment: This sequence change replaces arginine, which is basic and polar, with histidine, which is basic and polar, at codon 316 of the PROS1 protein (p.Arg316His). This variant is present in population databases (rs747259055, gnomAD 0.02%). This missense change has been observed in individual(s) with recurrent venous thromboembolism (PMID: 24162787). ClinVar contains an entry for this variant (Variation ID: 983112). Invitae Evidence Modeling of protein sequence and biophysical properties (such as structural, functional, and spatial information, amino acid conservation, physicochemical variation, residue mobility, and thermodynamic stability) indicates that this missense variant is not expected to disrupt PROS1 protein function with a negative predictive value of 80%. In summary, the available evidence is currently insufficient to determine the role of this variant in disease. Therefore, it has been classified as a Variant of Uncertain Significance.

Fulgent Genetics
Classification: Uncertain significance for Thrombophilia due to protein S deficiency, autosomal dominant; Thrombophilia due to protein S deficiency, autosomal recessive. Last evaluated: 2022-02-10. Review status: criteria provided, single submitter. Criteria: ACMG Guidelines, 2015. Collection method: clinical testing. Allele origin: unknown.

Institute of Human Genetics, University of Leipzig Medical Center
Classification: Uncertain significance for Thrombophilia due to protein S deficiency, autosomal dominant. Last evaluated: 2019-01-01. Review status: criteria provided, single submitter. Criteria: ACMG Guidelines, 2015. Collection method: clinical testing. Allele origin: unknown. Affected: yes.

Literature cited by the submitters: PubMed 24162787 (cited by Labcorp Genetics (formerly Invitae), Labcorp).